The following is an entry in ClinVar:

ClinVar aggregate classification (germline): Pathogenic (1 of 4 stars; one submission).

Conditions:
Nemaline myopathy 2 (NEM2). Also called: Nemaline myopathy 2, autosomal recessive. Identifiers: MedGen C1850569, MONDO:0009725, OMIM 256030.

Submission:

Labcorp Genetics (formerly Invitae), Labcorp
Classification: Pathogenic for Nemaline myopathy 2. Last evaluated: 2022-03-31. Review status: criteria provided, single submitter. Criteria: Invitae Variant Classification Sherloc (09022015). Collection method: clinical testing. Allele origin: germline.
Comment: For these reasons, this variant has been classified as Pathogenic. This variant has not been reported in the literature in individuals affected with NEB-related conditions. This variant is not present in population databases (gnomAD no frequency). This sequence change creates a premature translational stop signal (p.Ser437Glnfs*19) in the NEB gene. It is expected to result in an absent or disrupted protein product. Loss-of-function variants in NEB are known to be pathogenic (PMID: 25205138).

Literature cited by the submitters: PubMed 25205138.

NM_001164508.2(NEB):c.1307dup (p.Ser437fs)

Gene: NEB (nebulin; minus strand). Cytogenetic location: 2q23.3.
Variant type: Duplication.
Coding change: c.1307dup on transcript NM_001164508.2 (MANE Select); coding-DNA position 1307, one base duplicated (G; older notation c.1307dupG).
Protein change: p.Ser437fs; shifts the reading frame from serine 437.
Molecular consequence: frameshift variant.
Genome position (GRCh38, 1-based): chr2:151,697,408, C duplicated on the plus strand (G on the coding strand, the reverse complement: NEB is on the minus strand); the first of 2 consecutive C bases (chr2:151,697,408-151,697,409); duplicating either gives the same sequence. VCF-style (leftmost placement, unchanged base first): chr2-151697407-G-GC. GRCh37 (hg19) VCF-style: chr2-152553921-G-GC.
Other names: c.1307dup, p.Ser437fs (NM_001164507.2, NM_001271208.2, NM_004543.5); short protein forms S437fs.
Identifiers: ClinVar variation 2119851 (VCV002119851.4), dbSNP rs2552270096, ClinGen allele CA2580064071.